The following is an entry in ClinVar:

NM_005629.4(SLC6A8):c.1053C>G (p.Thr351=)

Gene: SLC6A8 (solute carrier family 6 member 8; plus strand). Cytogenetic location: Xq28.
Variant type: single nucleotide variant.
Coding change: c.1053C>G on transcript NM_005629.4 (MANE Select); coding-DNA position 1053, C replaced by G.
Protein change: p.Thr351=; no amino-acid change (threonine 351 retained).
Molecular consequence: synonymous variant.
Genome position (GRCh38, 1-based): chrX:153,693,498, C>G. VCF-style: chrX-153693498-C-G. GRCh37 (hg19) VCF-style: chrX-152958953-C-G.
Other names: c.1023C>G, p.Thr341= (NM_001142805.2); c.708C>G, p.Thr236= (NM_001142806.1).
Identifiers: ClinVar variation 512504 (VCV000512504.6), dbSNP rs1557045138, ClinGen allele CA415085346.
Genomic context (GRCh38, chrX:153,693,498, plus strand): 5'-CACTCTGGCCCCTCCACCCCTCAGGGACGCCATCATCCTGGCTCTCATCAACAGTGGGAC[C>G]AGCTTCTTTGCTGGCTTCGTGGTCTTCTCCATCCTGGGCTTCATGGCTGCAGAGCAGGGC-3'
Protein context (NP_005620.1, residues 341-361): AIILALINSG[Thr351=]SFFAGFVVFS

ClinVar aggregate classification (germline): Likely benign. Review status: criteria provided, multiple submitters, no conflicts (2 of 4 stars). 3 submissions from 3 submitters: Likely benign (3). Last evaluated 2025-05-02.

Conditions:
Creatine transporter deficiency (CCDS1). Also called: Creatine Transporter (CRTR) Deficiency; Mental retardation , X-linked with seizures, short stature and midface hypoplasia; Mental retardation , X-linked, with creatine transport deficiency; X-linked creatine transporter deficiency; X-linked creatine deficiency syndrome; SLC6A8-Related Creatine Transporter Deficiency. Identifiers: Orphanet 52503, MedGen C1845862, MONDO:0010305, OMIM 300352.

Allele frequency attached by ClinVar (database versions not stated): gnomAD exomes below 0.00001; gnomAD 0.00001.
gnomAD v4.1: 5 of 1,209,166 alleles (0.00041%); highest among the groups gnomAD compares: Non-Finnish European, 0.00056%; no homozygotes.

Submissions (3):

Women's Health and Genetics/Laboratory Corporation of America, LabCorp
Classification: Likely benign. Last evaluated: 2025-05-02. Review status: criteria provided, single submitter. Criteria: LabCorp Variant Classification Summary - May 2015. Collection method: clinical testing. Allele origin: germline.

Labcorp Genetics (formerly Invitae), Labcorp
Classification: Likely benign for Creatine transporter deficiency. Last evaluated: 2022-10-08. Review status: criteria provided, single submitter. Criteria: Invitae Variant Classification Sherloc (09022015). Collection method: clinical testing. Allele origin: germline.

GeneDx
Classification: Likely benign. Last evaluated: 2017-10-05. Review status: criteria provided, single submitter. Criteria: GeneDx Variant Classification (06012015). Collection method: clinical testing. Allele origin: germline. Affected: yes.
Comment: This variant is considered likely benign or benign based on one or more of the following criteria: it is a conservative change, it occurs at a poorly conserved position in the protein, it is predicted to be benign by multiple in silico algorithms, and/or has population frequency not consistent with disease.